The following is an entry in ClinVar:

ClinVar aggregate classification (germline): Uncertain significance (1 of 4 stars; one submission).

Conditions:
Xanthinuria type II. Also called: Xanthine dehydrogenase and aldehyde oxidase combined deficiency of; XDH and AOX dual deficiency. Identifiers: Orphanet 3467, Orphanet 93602, MedGen C1863688, MONDO:0011346, OMIM 603592.

Allele frequency attached by ClinVar (database versions not stated): TOPMed 0.00002.
gnomAD v4.1: 34 of 1,613,772 alleles (0.0021%); highest among the groups gnomAD compares: East Asian, 0.013%; no homozygotes.

Submission:

Labcorp Genetics (formerly Invitae), Labcorp
Classification: Uncertain significance for Xanthinuria type II. Last evaluated: 2024-09-23. Review status: criteria provided, single submitter. Criteria: Invitae Variant Classification Sherloc (09022015). Collection method: clinical testing. Allele origin: germline.
Comment: This sequence change replaces valine, which is neutral and non-polar, with isoleucine, which is neutral and non-polar, at codon 1091 of the XDH protein (p.Val1091Ile). This variant is present in population databases (rs45619033, gnomAD 0.02%). This variant has not been reported in the literature in individuals affected with XDH-related conditions. ClinVar contains an entry for this variant (Variation ID: 1000904). An algorithm developed to predict the effect of missense changes on protein structure and function outputs the following: PolyPhen-2: "Benign". The isoleucine amino acid residue is found in multiple mammalian species, which suggests that this missense change does not adversely affect protein function. In summary, the available evidence is currently insufficient to determine the role of this variant in disease. Therefore, it has been classified as a Variant of Uncertain Significance.

NM_000379.4(XDH):c.3271G>A (p.Val1091Ile)

Gene: XDH (xanthine dehydrogenase; minus strand). Cytogenetic location: 2p23.1.
Variant type: single nucleotide variant.
Coding change: c.3271G>A on transcript NM_000379.4 (MANE Select); coding-DNA position 3271, G replaced by A.
Protein change: p.Val1091Ile; replaces valine 1091 with isoleucine.
Molecular consequence: missense variant.
Genome position (GRCh38, 1-based): chr2:31,347,527, C>T on the plus strand (G>A on the coding strand, the complement: XDH is on the minus strand). VCF-style: chr2-31347527-C-T. GRCh37 (hg19) VCF-style: chr2-31570393-C-T.
Other names: short protein forms V1091I.
Identifiers: ClinVar variation 1000904 (VCV001000904.8), dbSNP rs45619033, ClinGen allele CA1598481.